The following is an entry in ClinVar:

NM_001377.3(DYNC2H1):c.10718del (p.Leu3573fs)

Gene: DYNC2H1 (dynein cytoplasmic 2 heavy chain 1; plus strand). Cytogenetic location: 11q22.3.
Variant type: Deletion.
Coding change: c.10718del on transcript NM_001377.3 (MANE Select); coding-DNA position 10718, one base deleted (T; older notation c.10718delT).
Protein change: p.Leu3573fs; shifts the reading frame from leucine 3573.
Molecular consequence: frameshift variant.
Genome position (GRCh38, 1-based): chr11:103,280,370, T deleted; the last of 3 consecutive T bases (chr11:103,280,368-103,280,370); deleting any one gives the same sequence. VCF-style (leftmost placement, unchanged base first): chr11-103280367-CT-C. GRCh37 (hg19) VCF-style: chr11-103151096-CT-C.
Other names: c.10739del, p.Leu3580fs (NM_001080463.2); short protein forms L3573fs, L3580fs.
Identifiers: ClinVar variation 5016196 (VCV005016196.1).

ClinVar aggregate classification (germline): Pathogenic (1 of 4 stars; one submission).

Conditions:
Asphyxiating thoracic dystrophy 3. Also called: SHORT-RIB THORACIC DYSPLASIA 3 WITH OR WITHOUT POLYDACTYLY; POLYDACTYLY WITH NEONATAL CHONDRODYSTROPHY, TYPE I; SHORT-RIB THORACIC DYSPLASIA 3/6 WITH POLYDACTYLY, DIGENIC; Short rib polydactyly syndrome 2B; Saldino-Noonan Syndrome. Identifiers: Orphanet 474, Orphanet 93269, Orphanet 93270, Orphanet 93271, MedGen C0036069, MONDO:0013127, OMIM 613091.

Submission:

Myriad Genetics, Inc.
Classification: Pathogenic for Asphyxiating thoracic dystrophy 3. Last evaluated: 2026-08-05. Review status: criteria provided, single submitter. Criteria: Myriad Autosomal Dominant, Autosomal Recessive and X-Linked Classification Criteria (2023). Collection method: clinical testing. Allele origin: unknown.
Comment: NM_001377.2(DYNC2H1):c.10718delT(L3573Cfs*46) is expected to be pathogenic in the context of DYNC2H1-related disorders. This variant is predicted to lead to an abnormal or absent protein product due to the creation of a premature termination codon in DYNC2H1, a gene where loss-of-function variants are known to be pathogenic. Please note: this variant was assessed in the context of healthy population screening.